The following is an entry in ClinVar:

ClinVar aggregate classification (germline): Uncertain significance (1 of 4 stars; one submission).

Conditions:
Cardiovascular phenotype. Identifiers: MedGen CN230736.

Submission:

Ambry Genetics
Classification: Uncertain significance for Cardiovascular phenotype. Last evaluated: 2026-02-24. Review status: criteria provided, single submitter. Criteria: Ambry Variant Classification Scheme 2023. Collection method: clinical testing. Allele origin: germline.
Comment: The p.F412S variant (also known as c.1235T>C), located in coding exon 7 of the SPRED1 gene, results from a T to C substitution at nucleotide position 1235. The phenylalanine at codon 412 is replaced by serine, an amino acid with highly dissimilar properties. This amino acid position is conserved. In addition, the in silico prediction for this alteration is inconclusive. Based on the available evidence, the clinical significance of this variant remains unclear.

NM_152594.3(SPRED1):c.1235T>C (p.Phe412Ser)

Gene: SPRED1 (sprouty related EVH1 domain containing 1; plus strand). Cytogenetic location: 15q14.
Variant type: single nucleotide variant.
Coding change: c.1235T>C on transcript NM_152594.3 (MANE Select); coding-DNA position 1235, T replaced by C.
Protein change: p.Phe412Ser; replaces phenylalanine 412 with serine.
Molecular consequence: missense variant.
Genome position (GRCh38, 1-based): chr15:38,351,564, T>C. VCF-style: chr15-38351564-T-C. GRCh37 (hg19) VCF-style: chr15-38643765-T-C.
Other names: short protein forms F412S.
Identifiers: ClinVar variation 4827631 (VCV004827631.1).